The following is an entry in ClinVar:

NM_032861.4(SERAC1):c.1403+12G>A

Gene: SERAC1 (serine active site containing 1; minus strand). Cytogenetic location: 6q25.3.
Variant type: single nucleotide variant.
Coding change: c.1403+12G>A on transcript NM_032861.4 (MANE Select); 12 bases into the intron after coding-DNA position 1403, G replaced by A.
Molecular consequence: intron variant.
Genome position (GRCh38, 1-based): chr6:158,117,715, C>T on the plus strand (G>A on the coding strand, the complement: SERAC1 is on the minus strand). VCF-style: chr6-158117715-C-T. GRCh37 (hg19) VCF-style: chr6-158538747-C-T.
Identifiers: ClinVar variation 139098 (VCV000139098.11), dbSNP rs117813106, ClinGen allele CA293471.

ClinVar aggregate classification (germline): Benign. Review status: criteria provided, multiple submitters, no conflicts (2 of 4 stars). 3 submissions from 3 submitters: Benign (3). Last evaluated 2026-02-04.

Conditions:
3-methylglutaconic aciduria with deafness, encephalopathy, and Leigh-like syndrome (MEGDEL). Also called: 3-METHYLGLUTACONIC ACIDURIA, TYPE VI; SERAC1 Deficiency; MEGDEL syndrome. Identifiers: Orphanet 352328, MedGen C4040739, MONDO:0013875, OMIM 614739.

Allele frequency attached by ClinVar (database versions not stated): gnomAD 0.02672 and 0.02692; ESP Exome Variant Server 0.02829; gnomAD exomes 0.02992 and 0.03407; ExAC 0.03024; 1000 Genomes Project 30x 0.02077; 1000 Genomes Project 0.02177; TOPMed 0.02625.
gnomAD v4.1: 53,734 of 1,613,314 alleles (3.3%); highest among the groups gnomAD compares: Middle Eastern, 5.4%; 1,007 homozygotes.

Submissions (3):

Labcorp Genetics (formerly Invitae), Labcorp
Classification: Benign for 3-methylglutaconic aciduria with deafness, encephalopathy, and Leigh-like syndrome. Last evaluated: 2026-02-04. Review status: criteria provided, single submitter. Criteria: Invitae Variant Classification Sherloc (09022015). Collection method: clinical testing. Allele origin: germline.

Genome-Nilou Lab
Classification: Benign for 3-methylglutaconic aciduria with deafness, encephalopathy, and Leigh-like syndrome. Last evaluated: 2022-03-15. Review status: criteria provided, single submitter. Criteria: ACMG Guidelines, 2015. Collection method: clinical testing. Allele origin: germline. Affected: no.

GeneDx
Classification: Benign. Last evaluated: 2013-11-15. Review status: criteria provided, single submitter. Criteria: GeneDx Variant Classification (06012015). Collection method: clinical testing. Allele origin: germline. Affected: yes.
Comment: This variant is considered likely benign or benign based on one or more of the following criteria: it is a conservative change, it occurs at a poorly conserved position in the protein, it is predicted to be benign by multiple in silico algorithms, and/or has population frequency not consistent with disease.